The following is an entry in ClinVar:

NM_032409.3(PINK1):c.666G>A (p.Trp222Ter)

Gene: PINK1 (PTEN induced kinase 1; plus strand). Cytogenetic location: 1p36.12.
Variant type: single nucleotide variant.
Coding change: c.666G>A on transcript NM_032409.3 (MANE Select); coding-DNA position 666, G replaced by A.
Protein change: p.Trp222Ter; replaces tryptophan 222 with a stop codon.
Molecular consequence: nonsense.
Genome position (GRCh38, 1-based): chr1:20,638,120, G>A. VCF-style: chr1-20638120-G-A. GRCh37 (hg19) VCF-style: chr1-20964613-G-A.
Other names: short protein forms W222*.
Identifiers: ClinVar variation 1398596 (VCV001398596.1), dbSNP rs2154533643, ClinGen allele CA338857954.

ClinVar aggregate classification (germline): Pathogenic (1 of 4 stars; one submission).

Conditions:
Autosomal recessive early-onset Parkinson disease 6 (PARK6). Also called: PARKINSON DISEASE 6, EARLY-ONSET; PARKINSON DISEASE 6, MODIFIER OF; PINK1-Related Parkinson Disease; PINK1 Type of Young-Onset Parkinson Disease. Identifiers: Orphanet 2828, MedGen C1853833, MONDO:0011613, OMIM 605909.

Submission:

Labcorp Genetics (formerly Invitae), Labcorp
Classification: Pathogenic for Autosomal recessive early-onset Parkinson disease 6. Last evaluated: 2021-08-16. Review status: criteria provided, single submitter. Criteria: Invitae Variant Classification Sherloc (09022015). Collection method: clinical testing. Allele origin: germline.
Comment: This sequence change creates a premature translational stop signal (p.Trp222*) in the PINK1 gene. It is expected to result in an absent or disrupted protein product. Loss-of-function variants in PINK1 are known to be pathogenic (PMID: 15087508, 15349870). This variant is not present in population databases (ExAC no frequency). This variant has not been reported in the literature in individuals affected with PINK1-related conditions. For these reasons, this variant has been classified as Pathogenic.

Literature cited by the submitters: PubMed 15087508; PubMed 15349870.